The following is an entry in ClinVar:

ClinVar aggregate classification (germline): Likely pathogenic (1 of 4 stars; one submission).

Conditions:
UBE4A-related neurodevelopmental disorder.

Submission:

Rady Children's Institute for Genomic Medicine, Rady Children's Hospital San Diego
Classification: Likely pathogenic for UBE4A-related neurodevelopmental disorder. Last evaluated: 2025-06-28. Review status: criteria provided, single submitter. Criteria: ACMG Guidelines, 2015. Collection method: clinical testing. Allele origin: germline. Affected: yes.
Comment: This nonsense variant found in exon 15 of 20 is predicted to result in loss of normal protein function through either protein truncation or nonsense-mediated mRNA decay. Loss-of-function variation in UBE4A is the proposed mechanism of disease for UBE4A-related neurodevelopmental disorder (PMID: 33420346). This variant has not been previously reported or functionally characterized in the literature to our knowledge. The c.2319dup (p.Lys774Ter) variant is absent from the latest version of the gnomAD population database and thus is presumed to be rare. Based on the available evidence, c.2319dup (p.Lys774Ter) is classified as Likely Pathogenic.

Literature cited by the submitters: PubMed 33420346.

NM_001204077.2(UBE4A):c.2319dup (p.Lys774Ter)

Genes: UBE4A (ubiquitination factor E4A; plus strand), LOC100131626 (uncharacterized LOC100131626; minus strand). Cytogenetic location: 11q23.3.
Variant type: Duplication.
Coding change: c.2319dup on transcript NM_001204077.2 (MANE Select); coding-DNA position 2319, one base duplicated (T; older notation c.2319dupT).
Protein change: p.Lys774Ter; replaces lysine 774 with a stop codon.
Molecular consequence: nonsense.
Genome position (GRCh38, 1-based): chr11:118,384,852, T duplicated. VCF-style (leftmost placement, unchanged base first): chr11-118384851-C-CT. GRCh37 (hg19) VCF-style: chr11-118255566-C-CT.
Other names: c.2340dup, p.Lys781Ter (NM_004788.4); short protein forms K774*, K781*.
Identifiers: ClinVar variation 4814219 (VCV004814219.1).